The following is an entry in ClinVar:

ClinVar aggregate classification (germline): Uncertain significance (1 of 4 stars; one submission).

Allele frequency attached by ClinVar (database versions not stated): gnomAD exomes 0.00001.
gnomAD v4.1: 7 of 1,613,368 alleles (0.00043%); highest among the groups gnomAD compares: Non-Finnish European, 0.00059%; no homozygotes.

Submission:

Ambry Genetics
Classification: Uncertain significance. Last evaluated: 2021-10-09. Review status: criteria provided, single submitter. Criteria: Ambry Variant Classification Scheme 2023. Collection method: clinical testing. Allele origin: germline.
Comment: The p.L1591I variant (also known as c.4771T>A), located in coding exon 16 of the POLQ gene, results from a T to A substitution at nucleotide position 4771. The leucine at codon 1591 is replaced by isoleucine, an amino acid with highly similar properties. This amino acid position is conserved. In addition, this alteration is predicted to be tolerated by in silico analysis. Since supporting evidence is limited at this time, the clinical significance of this alteration remains unclear.

NM_199420.4(POLQ):c.4771T>A (p.Leu1591Ile)

Gene: POLQ (DNA polymerase theta; minus strand). Cytogenetic location: 3q13.33.
Variant type: single nucleotide variant.
Coding change: c.4771T>A on transcript NM_199420.4 (MANE Select); coding-DNA position 4771, T replaced by A.
Protein change: p.Leu1591Ile; replaces leucine 1591 with isoleucine.
Molecular consequence: missense variant.
Genome position (GRCh38, 1-based): chr3:121,488,160, A>T on the plus strand (T>A on the coding strand, the complement: POLQ is on the minus strand). VCF-style: chr3-121488160-A-T. GRCh37 (hg19) VCF-style: chr3-121207007-A-T.
Other names: short protein forms L1591I.
Identifiers: ClinVar variation 1742978 (VCV001742978.2), dbSNP rs1286212077, ClinGen allele CA354093894.